The following is an entry in ClinVar:

ClinVar aggregate classification (germline): Likely benign. Review status: criteria provided, multiple submitters, no conflicts (2 of 4 stars). 2 submissions from 2 submitters: Likely benign (2). Last evaluated 2026-07-14.

Conditions:
LRIT3-related disorder. Also called: LRIT3-related condition.

Allele frequency attached by ClinVar (database versions not stated): gnomAD 0.00004 and 0.00005; gnomAD exomes 0.00004 and 0.00007; ExAC 0.00007; ESP Exome Variant Server 0.00008; TOPMed 0.00008.
gnomAD v4.1: 62 of 1,602,298 alleles (0.0039%); highest among the groups gnomAD compares: Middle Eastern, 0.087%; no homozygotes.

Submissions (2):

PreventionGenetics, part of Exact Sciences
Classification: Likely benign for LRIT3-related condition. Last evaluated: 2026-07-14. Review status: criteria provided, single submitter. Criteria: ACMG Guidelines, 2015. Collection method: clinical testing. Allele origin: germline.
Comment: This variant is classified as likely benign based on ACMG/AMP sequence variant interpretation guidelines (Richards et al. 2015 PMID: 25741868, with internal and published modifications).

Labcorp Genetics (formerly Invitae), Labcorp
Classification: Likely benign. Last evaluated: 2025-07-14. Review status: criteria provided, single submitter. Criteria: Invitae Variant Classification Sherloc (09022015). Collection method: clinical testing. Allele origin: germline.

NM_198506.5(LRIT3):c.895+7T>C

Gene: LRIT3 (leucine rich repeat, Ig-like and transmembrane domains 3; plus strand). Cytogenetic location: 4q25.
Variant type: single nucleotide variant.
Coding change: c.895+7T>C on transcript NM_198506.5 (MANE Select); 7 bases into the intron after coding-DNA position 895, T replaced by C.
Molecular consequence: intron variant.
Genome position (GRCh38, 1-based): chr4:109,867,953, T>C. VCF-style: chr4-109867953-T-C. GRCh37 (hg19) VCF-style: chr4-110789109-T-C.
Other names: c.895+7T>C (NM_198506.4).
Identifiers: ClinVar variation 1116127 (VCV001116127.8), dbSNP rs377352821, ClinGen allele CA3043083.